The following is an entry in ClinVar:

ClinVar aggregate classification (germline): Uncertain significance (1 of 4 stars; one submission).

gnomAD v4.1: 26 of 1,613,812 alleles (0.0016%); highest among the groups gnomAD compares: Non-Finnish European, 0.0022%; no homozygotes.

Submission:

Ambry Genetics
Classification: Uncertain significance. Last evaluated: 2024-01-11. Review status: criteria provided, single submitter. Criteria: Ambry Variant Classification Scheme 2023. Collection method: clinical testing. Allele origin: germline.
Comment: The p.P44S variant (also known as c.130C>T), located in coding exon 2 of the CTNNA3 gene, results from a C to T substitution at nucleotide position 130. The proline at codon 44 is replaced by serine, an amino acid with similar properties. This amino acid position is conserved. In addition, this alteration is predicted to be tolerated by in silico analysis. Since supporting evidence is limited at this time, the clinical significance of this alteration remains unclear.

NM_013266.4(CTNNA3):c.130C>T (p.Pro44Ser)

Gene: CTNNA3 (catenin alpha 3; minus strand). Cytogenetic location: 10q21.3.
Variant type: single nucleotide variant.
Coding change: c.130C>T on transcript NM_013266.4 (MANE Select); coding-DNA position 130, C replaced by T.
Protein change: p.Pro44Ser; replaces proline 44 with serine.
Molecular consequence: missense variant.
Genome position (GRCh38, 1-based): chr10:67,607,019, G>A on the plus strand (C>T on the coding strand, the complement: CTNNA3 is on the minus strand). VCF-style: chr10-67607019-G-A. GRCh37 (hg19) VCF-style: chr10-69366777-G-A.
Other names: c.130C>T, p.Pro44Ser (NM_001127384.3); c.166C>T, p.Pro56Ser (NM_001291133.2); short protein forms P44S, P56S.
Identifiers: ClinVar variation 3226226 (VCV003226226.1), dbSNP rs759426077, ClinGen allele CA377098406.